The following is an entry in ClinVar:

NM_018972.4(GDAP1):c.706C>A (p.Gln236Lys)

Gene: GDAP1 (ganglioside induced differentiation associated protein 1; plus strand). Cytogenetic location: 8q21.11.
Variant type: single nucleotide variant.
Coding change: c.706C>A on transcript NM_018972.4 (MANE Select); coding-DNA position 706, C replaced by A.
Protein change: p.Gln236Lys; replaces glutamine 236 with lysine.
Molecular consequence: missense variant. On other transcripts: intron variant (1).
Genome position (GRCh38, 1-based): chr8:74,363,996, C>A. VCF-style: chr8-74363996-C-A. GRCh37 (hg19) VCF-style: chr8-75276231-C-A.
Other names: c.502C>A, p.Gln168Lys (NM_001040875.4); c.379C>A, p.Gln127Lys (NM_001362929.2, NM_001362932.2); c.532C>A, p.Gln178Lys (NM_001362930.2); c.694+943C>A (NM_001362931.2); c.706C>A (NM_018972.2); short protein forms Q127K, Q168K, Q236K, Q178K.
Identifiers: ClinVar variation 695007 (VCV000695007.4), dbSNP rs760573105, ClinGen allele CA4785187.

ClinVar aggregate classification (germline): Uncertain significance. Review status: criteria provided, multiple submitters, no conflicts (2 of 4 stars). 3 submissions from 3 submitters: Uncertain significance (2). 1 of the submissions does not count toward it. Last evaluated 2025-11-05.

Conditions:
Inborn genetic diseases. Identifiers: MedGen C0950123, MeSH D030342.
Charcot-Marie-Tooth disease, type I (CMT1). Also called: Charcot-Marie-Tooth, Type 1; Charcot-Marie-Tooth disease type 1. Identifiers: Orphanet 65753, MedGen C0751036, MONDO:0019011.
Charcot-Marie-Tooth disease type 4A. Also called: Charcot-Marie-Tooth disease, demyelinating, autosomal recessive, type 4a. Identifiers: Orphanet 99948, MedGen C1859198, MONDO:0008961, OMIM 214400.

Allele frequency attached by ClinVar (database versions not stated): gnomAD exomes below 0.00001; TOPMed below 0.00001; ExAC 0.00001; gnomAD 0.00001.
gnomAD v4.1: 7 of 1,613,894 alleles (0.00043%); highest among the groups gnomAD compares: South Asian, 0.0022%; no homozygotes.

Submissions (3):

Labcorp Genetics (formerly Invitae), Labcorp
Classification: Uncertain significance for Charcot-Marie-Tooth disease type 4A. Last evaluated: 2025-11-05. Review status: criteria provided, single submitter. Criteria: Invitae Variant Classification Sherloc (09022015). Collection method: clinical testing. Allele origin: germline.
Comment: This sequence change replaces glutamine, which is neutral and polar, with lysine, which is basic and polar, at codon 236 of the GDAP1 protein (p.Gln236Lys). This variant is present in population databases (rs760573105, gnomAD 0.0009%). This variant has not been reported in the literature in individuals affected with GDAP1-related conditions. ClinVar contains an entry for this variant (Variation ID: 695007). Invitae Evidence Modeling of protein sequence and biophysical properties (such as structural, functional, and spatial information, amino acid conservation, physicochemical variation, residue mobility, and thermodynamic stability) indicates that this missense variant is not expected to disrupt GDAP1 protein function with a negative predictive value of 80%. In summary, the available evidence is currently insufficient to determine the role of this variant in disease. Therefore, it has been classified as a Variant of Uncertain Significance.

Ambry Genetics
Classification: Uncertain significance for Inborn genetic diseases. Last evaluated: 2025-08-13. Review status: criteria provided, single submitter. Criteria: Ambry Variant Classification Scheme 2023. Collection method: clinical testing. Allele origin: germline.

Genesis Genome Database
Classification: Uncertain significance for Charcot-Marie-Tooth disease, type I. Last evaluated: 2019-08-14. Review status: no assertion criteria provided. Collection method: research. Allele origin: germline. Affected: yes. Not counted in ClinVar's aggregate classification.